The following is an entry in ClinVar:

NM_001363711.2(DUOX2):c.325+5G>A

Gene: DUOX2 (dual oxidase 2; minus strand). Cytogenetic location: 15q21.1.
Variant type: single nucleotide variant.
Coding change: c.325+5G>A on transcript NM_001363711.2 (MANE Select); 5 bases into the intron after coding-DNA position 325, G replaced by A.
Molecular consequence: intron variant.
Genome position (GRCh38, 1-based): chr15:45,112,549, C>T on the plus strand (G>A on the coding strand, the complement: DUOX2 is on the minus strand). VCF-style: chr15-45112549-C-T. GRCh37 (hg19) VCF-style: chr15-45404747-C-T.
Other names: c.325+5G>A (NM_014080.5).
Identifiers: ClinVar variation 2168194 (VCV002168194.4), dbSNP rs1894463055, ClinGen allele CA2580089486.

ClinVar aggregate classification (germline): Uncertain significance (1 of 4 stars; one submission).

gnomAD v4.1: 1 of 1,612,762 alleles (0.000062%); highest among the groups gnomAD compares: Non-Finnish European, 0.000085%; no homozygotes.

Submission:

Labcorp Genetics (formerly Invitae), Labcorp
Classification: Uncertain significance. Last evaluated: 2024-06-30. Review status: criteria provided, single submitter. Criteria: Invitae Variant Classification Sherloc (09022015). Collection method: clinical testing. Allele origin: germline.
Comment: This sequence change falls in intron 4 of the DUOX2 gene. It does not directly change the encoded amino acid sequence of the DUOX2 protein. It affects a nucleotide within the consensus splice site. This variant is not present in population databases (gnomAD no frequency). This variant has not been reported in the literature in individuals affected with DUOX2-related conditions. ClinVar contains an entry for this variant (Variation ID: 2168194). Variants that disrupt the consensus splice site are a relatively common cause of aberrant splicing (PMID: 17576681, 9536098). Algorithms developed to predict the effect of sequence changes on RNA splicing suggest that this variant may disrupt the consensus splice site. In summary, the available evidence is currently insufficient to determine the role of this variant in disease. Therefore, it has been classified as a Variant of Uncertain Significance.

Literature cited by the submitters: PubMed 17576681; PubMed 9536098.